The following is an entry in ClinVar:

NM_213599.3(ANO5):c.2354T>G (p.Leu785Arg)

Gene: ANO5 (anoctamin 5; plus strand). Cytogenetic location: 11p14.3.
Variant type: single nucleotide variant.
Coding change: c.2354T>G on transcript NM_213599.3 (MANE Select); coding-DNA position 2354, T replaced by G.
Protein change: p.Leu785Arg; replaces leucine 785 with arginine.
Molecular consequence: missense variant.
Genome position (GRCh38, 1-based): chr11:22,274,687, T>G. VCF-style: chr11-22274687-T-G. GRCh37 (hg19) VCF-style: chr11-22296233-T-G.
Other names: c.2351T>G, p.Leu784Arg (NM_001142649.2); short protein forms L785R, L784R.
Identifiers: ClinVar variation 263314 (VCV000263314.16), dbSNP rs146136277, ClinGen allele CA5923530.

ClinVar aggregate classification (germline): Benign/Likely benign. Review status: criteria provided, multiple submitters, no conflicts (2 of 4 stars). 9 submissions from 7 submitters: Benign (7); Likely benign (2). Last evaluated 2026-02-01.

Conditions:
Gnathodiaphyseal dysplasia (GDD). Also called: GNATHODIAPHYSEAL SCLEROSIS; OSTEOGENESIS IMPERFECTA WITH UNUSUAL SKELETAL LESIONS. Identifiers: Orphanet 53697, MedGen C1833736, MONDO:0008151, OMIM 166260.
Autosomal recessive limb-girdle muscular dystrophy type 2L (LGMDR12). Also called: Limb-girdle muscular dystrophy, type 2L; Limb-Girdle Muscular Dystrophy R12 Anoctamin-5-Related (LGMD-R12); MUSCULAR DYSTROPHY, LIMB-GIRDLE, AUTOSOMAL RECESSIVE 12. Identifiers: Orphanet 206549, MedGen C1969785, MONDO:0012652, OMIM 611307.
Miyoshi muscular dystrophy 3 (MMD3). Also called: Miyoshi myopathy 3; Miyoshi Muscular Dystrophy 3 (MMD3). Identifiers: Orphanet 399096, MedGen C2750076, MONDO:0013222, OMIM 613319.

Allele frequency attached by ClinVar (database versions not stated): gnomAD exomes 0.00109; ExAC 0.00138; 1000 Genomes Project 0.00359; 1000 Genomes Project 30x 0.00375; ESP Exome Variant Server 0.00438; gnomAD 0.00491 and 0.00524; TOPMed 0.00544.
gnomAD v4.1: 1,346 of 1,613,688 alleles (0.083%); highest among the groups gnomAD compares: African/African-American, 1.6%; 13 homozygotes.

Submissions (9):

Labcorp Genetics (formerly Invitae), Labcorp
Classification: Benign for Autosomal recessive limb-girdle muscular dystrophy type 2L; Gnathodiaphyseal dysplasia. Last evaluated: 2026-02-01. Review status: criteria provided, single submitter. Criteria: Invitae Variant Classification Sherloc (09022015). Collection method: clinical testing. Allele origin: germline.

Mayo Clinic Laboratories, Mayo Clinic
Classification: Benign. Last evaluated: 2024-06-25. Review status: criteria provided, single submitter. Criteria: ACMG Guidelines, 2015. Collection method: clinical testing. Allele origin: germline. Observed: 4 variant alleles.
Comment: BS1, BS2, BP4

Genome-Nilou Lab
Classification: Benign for Gnathodiaphyseal dysplasia. Last evaluated: 2021-12-05. Review status: criteria provided, single submitter. Criteria: ACMG Guidelines, 2015. Collection method: clinical testing. Allele origin: germline. Affected: no.

Genome-Nilou Lab
Classification: Benign for Miyoshi muscular dystrophy 3. Last evaluated: 2021-12-05. Review status: criteria provided, single submitter. Criteria: ACMG Guidelines, 2015. Collection method: clinical testing. Allele origin: germline. Affected: no.

Genome-Nilou Lab
Classification: Benign for Autosomal recessive limb-girdle muscular dystrophy type 2L. Last evaluated: 2021-12-05. Review status: criteria provided, single submitter. Criteria: ACMG Guidelines, 2015. Collection method: clinical testing. Allele origin: germline. Affected: no.

GeneDx
Classification: Benign. Last evaluated: 2018-02-12. Review status: criteria provided, single submitter. Criteria: GeneDx Variant Classification (06012015). Collection method: clinical testing. Allele origin: germline. Affected: yes.
Comment: This variant is considered likely benign or benign based on one or more of the following criteria: it is a conservative change, it occurs at a poorly conserved position in the protein, it is predicted to be benign by multiple in silico algorithms, and/or has population frequency not consistent with disease.

Center for Pediatric Genomic Medicine, Children's Mercy Hospital and Clinics
Classification: Likely benign. Last evaluated: 2016-09-12. Review status: criteria provided, single submitter. Criteria: ACMG Guidelines, 2015. Collection method: clinical testing. Allele origin: germline.
ClinVar note: Converted during submission from Likely Benign to Likely benign.

Athena Diagnostics
Classification: Likely benign. Last evaluated: 2016-03-03. Review status: criteria provided, single submitter. Criteria: Athena Diagnostics Criteria. Collection method: clinical testing. Allele origin: germline.

PreventionGenetics, part of Exact Sciences
Classification: Benign. Review status: criteria provided, single submitter. Criteria: ACMG Guidelines, 2015. Collection method: clinical testing. Allele origin: germline.